The following is an entry in ClinVar:

NM_024675.4(PALB2):c.1876A>T (p.Lys626Ter)

Gene: PALB2 (partner and localizer of BRCA2; minus strand). Cytogenetic location: 16p12.2.
Variant type: single nucleotide variant.
Coding change: c.1876A>T on transcript NM_024675.4 (MANE Select); coding-DNA position 1876, A replaced by T.
Protein change: p.Lys626Ter; replaces lysine 626 with a stop codon.
Molecular consequence: nonsense. On other transcripts: intron variant (1).
Genome position (GRCh38, 1-based): chr16:23,630,278, T>A on the plus strand (A>T on the coding strand, the complement: PALB2 is on the minus strand). VCF-style: chr16-23630278-T-A. GRCh37 (hg19) VCF-style: chr16-23641599-T-A.
Other names: c.1816A>T, p.Lys606Ter (NM_001407296.1); c.1876A>T, p.Lys626Ter (NM_001407297.1, NM_001407298.1, NM_001407299.1 and 3 more transcripts); c.991A>T, p.Lys331Ter (NM_001407304.1, NM_001407305.1, NM_001407306.1 and 5 more transcripts); c.88A>T, p.Lys30Ter (NM_001407312.1, NM_001407313.1); c.49-1003A>T (NM_001407314.1); short protein forms K626*, K30*, K331*, K606*.
Identifiers: ClinVar variation 3927440 (VCV003927440.1).

ClinVar aggregate classification (germline): Pathogenic (1 of 4 stars; one submission).

Conditions:
Hereditary cancer-predisposing syndrome. Also called: Hereditary Cancer Syndrome; Hereditary neoplastic syndrome; Neoplastic Syndromes, Hereditary; Tumor predisposition. Identifiers: Orphanet 140162, MedGen C0027672, MeSH D009386, MONDO:0015356.

Submission:

Ambry Genetics
Classification: Pathogenic for Hereditary cancer-predisposing syndrome. Last evaluated: 2025-05-12. Review status: criteria provided, single submitter. Criteria: Ambry Variant Classification Scheme 2023. Collection method: clinical testing. Allele origin: germline.
Comment: The p.K626* pathogenic mutation (also known as c.1876A>T), located in coding exon 5 of the PALB2 gene, results from an A to T substitution at nucleotide position 1876. This changes the amino acid from a lysine to a stop codon within coding exon 5. This variant is considered to be rare based on population cohorts in the Genome Aggregation Database (gnomAD). This alteration is expected to result in loss of function by premature protein truncation or nonsense-mediated mRNA decay. As such, this alteration is interpreted as a disease-causing mutation.